The following is an entry in ClinVar:

NM_199420.4(POLQ):c.1585G>A (p.Gly529Ser)

Gene: POLQ (DNA polymerase theta; minus strand). Cytogenetic location: 3q13.33.
Variant type: single nucleotide variant.
Coding change: c.1585G>A on transcript NM_199420.4 (MANE Select); coding-DNA position 1585, G replaced by A.
Protein change: p.Gly529Ser; replaces glycine 529 with serine.
Molecular consequence: missense variant.
Genome position (GRCh38, 1-based): chr3:121,511,913, C>T on the plus strand (G>A on the coding strand, the complement: POLQ is on the minus strand). VCF-style: chr3-121511913-C-T. GRCh37 (hg19) VCF-style: chr3-121230760-C-T.
Other names: short protein forms G529S.
Identifiers: ClinVar variation 2449486 (VCV002449486.2), dbSNP rs1173698900, ClinGen allele CA354116024.

ClinVar aggregate classification (germline): Uncertain significance (1 of 4 stars; one submission).

Allele frequency attached by ClinVar (database versions not stated): gnomAD 0.00001; TOPMed 0.00001.

Submission:

Ambry Genetics
Classification: Uncertain significance. Last evaluated: 2023-01-02. Review status: criteria provided, single submitter. Criteria: Ambry Variant Classification Scheme 2023. Collection method: clinical testing. Allele origin: germline.
Comment: The p.G529S variant (also known as c.1585G>A), located in coding exon 10 of the POLQ gene, results from a G to A substitution at nucleotide position 1585. The glycine at codon 529 is replaced by serine, an amino acid with similar properties. This amino acid position is conserved. In addition, this alteration is predicted to be tolerated by in silico analysis. Since supporting evidence is limited at this time, the clinical significance of this alteration remains unclear.